The following is an entry in ClinVar:

NM_000085.5(CLCNKB):c.1389del (p.Tyr466fs)

Genes: CLCNKB (chloride voltage-gated channel Kb; plus strand), LOC106501713 (CLCNKB recombination region; plus strand). Cytogenetic location: 1p36.13.
Variant type: Deletion.
Coding change: c.1389del on transcript NM_000085.5 (MANE Select); coding-DNA position 1389, one base deleted (A; older notation c.1389delA).
Protein change: p.Tyr466fs; shifts the reading frame from tyrosine 466.
Molecular consequence: frameshift variant.
Genome position (GRCh38, 1-based): chr1:16,051,801, A deleted. VCF-style (leftmost placement, unchanged base first): chr1-16051800-CA-C. GRCh37 (hg19) VCF-style: chr1-16378295-CA-C.
Other names: c.882del, p.Tyr297fs (NM_001165945.2); short protein forms Y297fs, Y466fs.
Identifiers: ClinVar variation 930786 (VCV000930786.11), dbSNP rs775637637, ClinGen allele CA623829.

ClinVar aggregate classification (germline): Pathogenic/Likely pathogenic. Review status: criteria provided, multiple submitters, no conflicts (2 of 4 stars). 5 submissions from 5 submitters: Pathogenic (4); Likely pathogenic (1). Last evaluated 2024-06-27.

Conditions:
Bartter disease type 3. Also called: Bartter syndrome type 3. Identifiers: Orphanet 112, Orphanet 93605, MedGen C1846343, MONDO:0011822, OMIM 607364.
Bartter disease type 4B. Also called: BARTTER SYNDROME, TYPE 4B, NEONATAL, WITH SENSORINEURAL DEAFNESS; Bartter syndrome, type 4b, digenic; BARTTER SYNDROME, TYPE 4B. Identifiers: Orphanet 112, MedGen C4310805, MONDO:0000909, OMIM 613090.
CLCNKB-related disorders.

Allele frequency attached by ClinVar (database versions not stated): ExAC 0.00001; gnomAD exomes 0.00001.

Submissions (5):

Blueprint Genetics
Classification: Likely pathogenic for CLCNKB-related disorders. Last evaluated: 2024-06-27. Review status: criteria provided, single submitter. Criteria: ACMG Guidelines, 2015. Collection method: clinical testing. Allele origin: germline. Affected: yes. Observed: 4 variant alleles.

Fulgent Genetics
Classification: Pathogenic for Bartter disease type 3; Bartter disease type 4B. Last evaluated: 2024-04-01. Review status: criteria provided, single submitter. Criteria: ACMG Guidelines, 2015. Collection method: clinical testing. Allele origin: germline.

Laboratory of Medical Genetics, National & Kapodistrian University of Athens
Classification: Pathogenic for Bartter disease type 3. Last evaluated: 2022-10-27. Review status: criteria provided, single submitter. Criteria: ACMG Guidelines, 2015. Collection method: clinical testing. Allele origin: germline. Affected: yes.
Comment: PVS1, PM2, PP5

Labcorp Genetics (formerly Invitae), Labcorp
Classification: Pathogenic. Last evaluated: 2022-02-08. Review status: criteria provided, single submitter. Criteria: Invitae Variant Classification Sherloc (09022015). Collection method: clinical testing. Allele origin: germline.
Comment: This sequence change creates a premature translational stop signal (p.Tyr466Metfs*13) in the CLCNKB gene. It is expected to result in an absent or disrupted protein product. Loss-of-function variants in CLCNKB are known to be pathogenic (PMID: 24830959, 26920127, 28381550, 29254190). This variant is present in population databases (rs775637637, gnomAD 0.002%). This premature translational stop signal has been observed in individual(s) with Bartter syndrome (PMID: 10906158). This variant is also known as del1423A (fs463>X478). ClinVar contains an entry for this variant (Variation ID: 930786). For these reasons, this variant has been classified as Pathogenic.

Centre for Mendelian Genomics, University Medical Centre Ljubljana
Classification: Pathogenic for Bartter disease type 3. Last evaluated: 2019-09-17. Review status: criteria provided, single submitter. Criteria: ACMG Guidelines, 2015. Collection method: clinical testing. Allele origin: unknown. Affected: yes.
Comment: This variant was classified as: Pathogenic. The following ACMG criteria were applied in classifying this variant: PVS1,PM2,PP4. This variant was detected in homozygous state.

Literature cited by the submitters: PubMed 24830959 (cited by Labcorp Genetics (formerly Invitae), Labcorp); PubMed 26920127 (cited by Labcorp Genetics (formerly Invitae), Labcorp); PubMed 28381550 (cited by Labcorp Genetics (formerly Invitae), Labcorp); PubMed 29254190 (cited by Labcorp Genetics (formerly Invitae), Labcorp); PubMed 10906158 (cited by Labcorp Genetics (formerly Invitae), Labcorp).